The following is an entry in ClinVar:

NM_152424.4(AMER1):c.1121T>A (p.Leu374Ter)

Gene: AMER1 (APC membrane recruitment protein 1; minus strand). Cytogenetic location: Xq11.2.
Variant type: single nucleotide variant.
Coding change: c.1121T>A on transcript NM_152424.4 (MANE Select); coding-DNA position 1121, T replaced by A.
Protein change: p.Leu374Ter; replaces leucine 374 with a stop codon.
Molecular consequence: nonsense.
Genome position (GRCh38, 1-based): chrX:64,192,166, A>T on the plus strand (T>A on the coding strand, the complement: AMER1 is on the minus strand). VCF-style: chrX-64192166-A-T. GRCh37 (hg19) VCF-style: chrX-63412046-A-T.
Other names: short protein forms L374*.
Identifiers: ClinVar variation 4091121 (VCV004091121.1).

ClinVar aggregate classification (germline): Pathogenic (1 of 4 stars; one submission).

Conditions:
Inborn genetic diseases. Identifiers: MedGen C0950123, MeSH D030342.

Submission:

Ambry Genetics
Classification: Pathogenic for Inborn genetic diseases. Last evaluated: 2025-09-10. Review status: criteria provided, single submitter. Criteria: Ambry Variant Classification Scheme 2023. Collection method: clinical testing. Allele origin: germline.
Comment: The c.1121T>A (p.L374*) alteration, located in exon 2 (coding exon 1) of the AMER1 gene, consists of a T to A substitution at nucleotide position 1121. This changes the amino acid from a leucine (L) to a stop codon at amino acid position 374. This variant is not expected to trigger nonsense-mediated mRNA decay and impacts the last 67% of the protein. Premature stop codons are typically deleterious in nature and a significant portion of the protein is affected (Ambry internal data). This variant was not reported in population-based cohorts in the Genome Aggregation Database (gnomAD). Based on the available evidence, this alteration is classified as pathogenic.